The following is an entry in ClinVar:

NM_022455.5(NSD1):c.7144A>G (p.Thr2382Ala)

Gene: NSD1 (nuclear receptor binding SET domain protein 1; plus strand). Cytogenetic location: 5q35.3.
Variant type: single nucleotide variant.
Coding change: c.7144A>G on transcript NM_022455.5 (MANE Select); coding-DNA position 7144, A replaced by G.
Protein change: p.Thr2382Ala; replaces threonine 2382 with alanine.
Molecular consequence: missense variant.
Genome position (GRCh38, 1-based): chr5:177,294,512, A>G. VCF-style: chr5-177294512-A-G. GRCh37 (hg19) VCF-style: chr5-176721513-A-G.
Other names: c.6271A>G, p.Thr2091Ala (NM_001365684.2, NM_001409308.1, NM_172349.5); c.7144A>G, p.Thr2382Ala (NM_001409301.1, NM_001409302.1, NM_001409303.1); c.6724A>G, p.Thr2242Ala (NM_001409304.1); c.6391A>G, p.Thr2131Ala (NM_001409305.1); c.6382A>G, p.Thr2128Ala (NM_001409306.1, NM_001409307.1); c.6022A>G, p.Thr2008Ala (NM_001409309.1); short protein forms T2382A, T2113A, T2091A, T2242A, T2008A, T2128A, T2131A.
Identifiers: ClinVar variation 854489 (VCV000854489.15), dbSNP rs765876148, ClinGen allele CA3578095.

ClinVar aggregate classification (germline): Conflicting classifications of pathogenicity. Review status: criteria provided, conflicting classifications (1 of 4 stars). 4 submissions from 4 submitters: Uncertain significance (2); Benign (1); Likely benign (1). Last evaluated 2024-10-21.

Conditions:
Sotos syndrome (SOTOS). Also called: CEREBRAL GIGANTISM; CHROMOSOME 5q35 DELETION SYNDROME; SOTOS SYNDROME 1; Sotos' syndrome; Distinctive facial appearance, overgrowth in childhood, and learning disabilities or delayed development. Identifiers: Orphanet 821, MedGen C0175695, MONDO:0019349, OMIM 117550.
Inborn genetic diseases. Identifiers: MedGen C0950123, MeSH D030342.

Allele frequency attached by ClinVar (database versions not stated): gnomAD exomes below 0.00001; ExAC 0.00001; TOPMed 0.00004.
gnomAD v4.1: 6 of 1,614,074 alleles (0.00037%); highest among the groups gnomAD compares: African/African-American, 0.0027%; no homozygotes.

Submissions (4):

Ambry Genetics
Classification: Uncertain significance for Inborn genetic diseases. Last evaluated: 2024-10-21. Review status: criteria provided, single submitter. Criteria: Ambry Variant Classification Scheme 2023. Collection method: clinical testing. Allele origin: germline.

Labcorp Genetics (formerly Invitae), Labcorp
Classification: Benign. Last evaluated: 2023-07-07. Review status: criteria provided, single submitter. Criteria: Invitae Variant Classification Sherloc (09022015). Collection method: clinical testing. Allele origin: germline.

Genome-Nilou Lab
Classification: Uncertain significance for Sotos syndrome. Last evaluated: 2021-07-15. Review status: criteria provided, single submitter. Criteria: ACMG Guidelines, 2015. Collection method: clinical testing. Allele origin: germline. Affected: no.

GeneDx
Classification: Likely benign. Last evaluated: 2020-08-07. Review status: criteria provided, single submitter. Criteria: GeneDx Variant Classification Process June 2021. Collection method: clinical testing. Allele origin: germline. Affected: yes.
Comment: In silico analysis supports that this missense variant does not alter protein structure/function; Has not been previously published as pathogenic or benign to our knowledge